The following is an entry in ClinVar:

NM_000045.4(ARG1):c.53G>A (p.Gly18Glu)

Gene: ARG1 (arginase 1; plus strand). Cytogenetic location: 6q23.2.
Variant type: single nucleotide variant.
Coding change: c.53G>A on transcript NM_000045.4 (MANE Select); coding-DNA position 53, G replaced by A.
Protein change: p.Gly18Glu; replaces glycine 18 with glutamic acid.
Molecular consequence: missense variant. On other transcripts: non-coding transcript variant (1).
Genome position (GRCh38, 1-based): chr6:131,573,335, G>A. VCF-style: chr6-131573335-G-A. GRCh37 (hg19) VCF-style: chr6-131894475-G-A.
Other names: c.53G>A, p.Gly18Glu (NM_001244438.2, NM_001369020.1); short protein forms G18E.
Identifiers: ClinVar variation 3384801 (VCV003384801.1).

ClinVar aggregate classification (germline): Likely pathogenic (1 of 4 stars; one submission).

Conditions:
Arginase deficiency. Also called: ARGININEMIA; ARG1 DEFICIENCY; Arginase 1 Deficiency. Identifiers: Orphanet 90, MedGen C0268548, MONDO:0008814, OMIM 207800.

Submission:

Women's Health and Genetics/Laboratory Corporation of America, LabCorp
Classification: Likely pathogenic for Arginase deficiency. Last evaluated: 2024-10-09. Review status: criteria provided, single submitter. Criteria: LabCorp Variant Classification Summary - May 2015. Collection method: clinical testing. Allele origin: germline.
Comment: Variant summary: ARG1 c.53G>A (p.Gly18Glu) results in a non-conservative amino acid change in the encoded protein sequence. Five of five in-silico tools predict a damaging effect of the variant on protein function. The variant allele was found at a frequency of 4e-06 in 250390 control chromosomes. c.53G>A has been reported in the literature in the presumed compound heterozygous or homozygous state in multiple individuals affected with Arginase Deficiency or who were positive for newborn screening (example, Cui_2022, Hao_2024, Wu_2015, Diez-Fernandez_2018). These data indicate that the variant may be associated with disease. To our knowledge, no experimental evidence demonstrating an impact on protein function has been reported. The following publications have been ascertained in the context of this evaluation (PMID: 35558983, 29726057, 38061323, 26310552). No submitters have cited clinical-significance assessments for this variant to ClinVar. Based on the evidence outlined above, the variant was classified as likely pathogenic.

Literature cited by the submitters: PubMed 29726057; PubMed 38061323; PubMed 35558983; PubMed 26310552.